The following is an entry in ClinVar:

NM_080669.6(SLC46A1):c.796C>T (p.His266Tyr)

Gene: SLC46A1 (solute carrier family 46 member 1; minus strand). Cytogenetic location: 17q11.2.
Variant type: single nucleotide variant.
Coding change: c.796C>T on transcript NM_080669.6 (MANE Select); coding-DNA position 796, C replaced by T.
Protein change: p.His266Tyr; replaces histidine 266 with tyrosine.
Molecular consequence: missense variant.
Genome position (GRCh38, 1-based): chr17:28,404,901, G>A on the plus strand (C>T on the coding strand, the complement: SLC46A1 is on the minus strand). VCF-style: chr17-28404901-G-A. GRCh37 (hg19) VCF-style: chr17-26731919-G-A.
Other names: c.796C>T, p.His266Tyr (NM_001242366.3); short protein forms H266Y.
Identifiers: ClinVar variation 2414846 (VCV002414846.4), dbSNP rs1555590571, ClinGen allele CA398348443.

ClinVar aggregate classification (germline): Uncertain significance (1 of 4 stars; one submission).

Allele frequency attached by ClinVar (database versions not stated): gnomAD exomes below 0.00001; TOPMed below 0.00001; gnomAD 0.00001.

Submission:

Labcorp Genetics (formerly Invitae), Labcorp
Classification: Uncertain significance. Last evaluated: 2022-04-18. Review status: criteria provided, single submitter. Criteria: Invitae Variant Classification Sherloc (09022015). Collection method: clinical testing. Allele origin: germline.
Comment: This sequence change replaces histidine, which is basic and polar, with tyrosine, which is neutral and polar, at codon 266 of the SLC46A1 protein (p.His266Tyr). This variant is present in population databases (no rsID available, gnomAD 0.006%). This variant has not been reported in the literature in individuals affected with SLC46A1-related conditions. Experimental studies and prediction algorithms are not available or were not evaluated, and the functional significance of this variant is currently unknown. In summary, the available evidence is currently insufficient to determine the role of this variant in disease. Therefore, it has been classified as a Variant of Uncertain Significance.